The following is an entry in ClinVar:

ClinVar aggregate classification (germline): Uncertain significance. Review status: criteria provided, multiple submitters, no conflicts (2 of 4 stars). 2 submissions from 2 submitters: Uncertain significance (2). Last evaluated 2021-06-22.

Allele frequency attached by ClinVar (database versions not stated): 1000 Genomes Project 0.00060; 1000 Genomes Project 30x 0.00062; ESP Exome Variant Server 0.00069; gnomAD 0.00076 and 0.00078; TOPMed 0.00077; gnomAD exomes 0.00090; ExAC 0.00117.

Submissions (2):

Labcorp Genetics (formerly Invitae), Labcorp
Classification: Uncertain significance. Last evaluated: 2021-06-22. Review status: criteria provided, single submitter. Criteria: Invitae Variant Classification Sherloc (09022015). Collection method: clinical testing. Allele origin: germline.
Comment: This sequence change replaces valine with methionine at codon 442 of the UNC45B protein (p.Val442Met). The valine residue is moderately conserved and there is a small physicochemical difference between valine and methionine. This variant is present in population databases (rs113898109, ExAC 0.2%). This variant has not been reported in the literature in individuals affected with UNC45B-related conditions. Algorithms developed to predict the effect of missense changes on protein structure and function are either unavailable or do not agree on the potential impact of this missense change (SIFT: "Deleterious"; PolyPhen-2: "Probably Damaging"; Align-GVGD: "Class C0"). In summary, the available evidence is currently insufficient to determine the role of this variant in disease. Therefore, it has been classified as a Variant of Uncertain Significance.

Breakthrough Genomics
Classification: Uncertain significance. Review status: criteria provided, single submitter. Criteria: ACMG Guidelines, 2015. Collection method: not provided. Allele origin: germline. Inheritance: Autosomal recessive inheritance. Affected: yes.

NM_001267052.2(UNC45B):c.1324G>A (p.Val442Met)

Gene: UNC45B (unc-45 myosin chaperone B; plus strand). Cytogenetic location: 17q12.
Variant type: single nucleotide variant.
Coding change: c.1324G>A on transcript NM_001267052.2 (MANE Select); coding-DNA position 1324, G replaced by A.
Protein change: p.Val442Met; replaces valine 442 with methionine.
Molecular consequence: missense variant.
Genome position (GRCh38, 1-based): chr17:35,168,233, G>A. VCF-style: chr17-35168233-G-A. GRCh37 (hg19) VCF-style: chr17-33495252-G-A.
Other names: c.1324G>A, p.Val442Met (NM_001033576.2, NM_001308281.1, NM_173167.3); short protein forms V442M.
Identifiers: ClinVar variation 1419237 (VCV001419237.9), dbSNP rs113898109, ClinGen allele CA8501111.